The following is an entry in ClinVar:

NM_206933.4(USH2A):c.5613_5614insTTAACTTG (p.Ala1872fs)

Genes: USH2A (usherin; minus strand), USH2A-AS2 (USH2A antisense RNA 2; plus strand). Cytogenetic location: 1q41.
Variant type: Insertion.
Coding change: c.5613_5614insTTAACTTG on transcript NM_206933.4 (MANE Select); coding-DNA positions 5613 to 5614, TTAACTTG inserted.
Protein change: p.Ala1872fs; shifts the reading frame from alanine 1872.
Molecular consequence: frameshift variant.
Genome position: GRCh38 VCF-style: chr1-216073259-C-CCAAGTTAA. GRCh37 (hg19) VCF-style: chr1-216246601-C-CCAAGTTAA.
Other names: short protein forms A1872fs.
Identifiers: ClinVar variation 1297135 (VCV001297135.3), dbSNP rs2102549174, ClinGen allele CA2499214495.

ClinVar aggregate classification (germline): Pathogenic/Likely pathogenic. Review status: criteria provided, multiple submitters, no conflicts (2 of 4 stars). 2 submissions from 2 submitters: Pathogenic (1); Likely pathogenic (1). Last evaluated 2022-02-28.

Conditions:
Retinitis pigmentosa (RP). Identifiers: Orphanet 791, MedGen C0035334, MeSH D012174, MONDO:0019200, OMIM 268000. Inheritance: Autosomal dominant, autosomal recessive and X linked inheritance.
USH2A-related disorder. Also called: USH2A-related condition; USH2A-related disorders. Identifiers: MedGen CN239332.

Allele frequency attached by ClinVar (database versions not stated): gnomAD exomes 0.00003.

Submissions (2):

Blueprint Genetics
Classification: Pathogenic for USH2A-related disorders. Last evaluated: 2022-02-28. Review status: criteria provided, single submitter. Criteria: ACMG Guidelines, 2015. Collection method: clinical testing. Allele origin: germline. Affected: yes. Observed: 5 variant alleles.

Broad Center for Mendelian Genomics, Broad Institute of MIT and Harvard
Classification: Likely pathogenic for Retinitis pigmentosa. Last evaluated: 2021-04-01. Review status: criteria provided, single submitter. Criteria: ACMG Guidelines, 2015. Collection method: curation. Allele origin: germline. Inheritance: Autosomal recessive inheritance. Affected: yes.
Comment: Through a review of available evidence we were able to apply the following criteria: PVS1, PM2. Based on this evidence we have classified this variant as Likely Pathogenic. If you have any questions about the classification please reach out to the Pierce Lab.

Literature cited by the submitters: PubMed 34906470 (cited by Broad Center for Mendelian Genomics, Broad Institute of MIT and Harvard).